The following is an entry in ClinVar:

NM_001103.4(ACTN2):c.1107+3G>A

Gene: ACTN2 (actinin alpha 2; plus strand). Cytogenetic location: 1q43.
Variant type: single nucleotide variant.
Coding change: c.1107+3G>A on transcript NM_001103.4 (MANE Select); 3 bases into the intron after coding-DNA position 1107, G replaced by A.
Molecular consequence: intron variant.
Genome position (GRCh38, 1-based): chr1:236,739,535, G>A. VCF-style: chr1-236739535-G-A. GRCh37 (hg19) VCF-style: chr1-236902835-G-A.
Other names: c.483+3G>A (NM_001278344.2); c.1107+3G>A (NM_001278343.2).
Identifiers: ClinVar variation 626371 (VCV000626371.4), dbSNP rs764249491, ClinGen allele CA1473042.

ClinVar aggregate classification (germline): Uncertain significance. Review status: criteria provided, multiple submitters, no conflicts (2 of 4 stars). 2 submissions from 2 submitters: Uncertain significance (2). Last evaluated 2025-01-27.

Conditions:
Primary familial hypertrophic cardiomyopathy (HCM). Identifiers: Orphanet 99739, MedGen C0949658, MeSH D024741, MONDO:0024573. Inheritance: Various modes of inheritance.
Dilated cardiomyopathy 1AA (CMD1AA). Also called: CARDIOMYOPATHY, DILATED, 1AA, WITH OR WITHOUT LEFT VENTRICULAR NONCOMPACTION; CARDIOMYOPATHY, FAMILIAL HYPERTROPHIC, 23, WITH OR WITHOUT LEFT VENTRICULAR NONCOMPACTION; Cardiomyopathy, dilated, 1AA, with or without LVNC. Identifiers: Orphanet 154, MedGen C2677338, MONDO:0012808, OMIM 612158.
Cardiomyopathy (CMYO). Also called: Cardiomyopathies. Identifiers: Orphanet 167848, MedGen C0878544, MONDO:0004994, HP:0001638. Inheritance: Various modes of inheritance.

Allele frequency attached by ClinVar (database versions not stated): gnomAD exomes below 0.00001; TOPMed below 0.00001; ExAC 0.00001; gnomAD 0.00001.

Submissions (2):

Labcorp Genetics (formerly Invitae), Labcorp
Classification: Uncertain significance for Primary familial hypertrophic cardiomyopathy; Dilated cardiomyopathy 1AA. Last evaluated: 2025-01-27. Review status: criteria provided, single submitter. Criteria: Invitae Variant Classification Sherloc (09022015). Collection method: clinical testing. Allele origin: germline.
Comment: This sequence change falls in intron 10 of the ACTN2 gene. It does not directly change the encoded amino acid sequence of the ACTN2 protein. It affects a nucleotide within the consensus splice site. This variant is present in population databases (rs764249491, gnomAD 0.0009%). This variant has not been reported in the literature in individuals affected with ACTN2-related conditions. ClinVar contains an entry for this variant (Variation ID: 626371). Variants that disrupt the consensus splice site are a relatively common cause of aberrant splicing (PMID: 17576681, 9536098). Algorithms developed to predict the effect of sequence changes on RNA splicing suggest that this variant is not likely to affect RNA splicing. In summary, the available evidence is currently insufficient to determine the role of this variant in disease. Therefore, it has been classified as a Variant of Uncertain Significance.

CHEO Genetics Diagnostic Laboratory, Children's Hospital of Eastern Ontario
Classification: Uncertain significance for Cardiomyopathy. Last evaluated: 2017-09-28. Review status: criteria provided, single submitter. Criteria: ACMG Guidelines, 2015. Collection method: clinical testing. Allele origin: germline. Study: Canadian Open Genetics Repository.

Literature cited by the submitters: PubMed 17576681 (cited by Labcorp Genetics (formerly Invitae), Labcorp); PubMed 9536098 (cited by Labcorp Genetics (formerly Invitae), Labcorp).